The following is an entry in ClinVar:

NM_015450.3(POT1):c.1882A>G (p.Thr628Ala)

Gene: POT1 (protection of telomeres 1; minus strand). Cytogenetic location: 7q31.33.
Variant type: single nucleotide variant.
Coding change: c.1882A>G on transcript NM_015450.3 (MANE Select); coding-DNA position 1882, A replaced by G.
Protein change: p.Thr628Ala; replaces threonine 628 with alanine.
Molecular consequence: missense variant. On other transcripts: non-coding transcript variant (3).
Genome position (GRCh38, 1-based): chr7:124,823,985, T>C on the plus strand (A>G on the coding strand, the complement: POT1 is on the minus strand). VCF-style: chr7-124823985-T-C. GRCh37 (hg19) VCF-style: chr7-124464039-T-C.
Other names: c.1489A>G, p.Thr497Ala (NM_001042594.2); short protein forms T628A, T497A.
Identifiers: ClinVar variation 578966 (VCV000578966.10), dbSNP rs1260196051, ClinGen allele CA369061094.
Genomic context (GRCh38, chr7:124,823,985, plus strand): 5'-TGGCAACATTTTATGTATGCTAAATTGGATGGCAATATTAGATTACATCTTCTGCAACTG[T>C]GGTGTCAAAAATCTGATAGCAAATTTGATTATCTGTTCCATTTGTGACATTGTATGACTT-3'
Protein context (NP_056265.2, residues 618-634): NQICYQIFDT[Thr628Ala]VAEDVI

ClinVar aggregate classification (germline): Conflicting classifications of pathogenicity. Review status: criteria provided, conflicting classifications (1 of 4 stars). 2 submissions from 2 submitters: Uncertain significance (1); Likely benign (1). Last evaluated 2026-02-24.

Conditions:
Hereditary cancer-predisposing syndrome. Also called: Tumor predisposition; Neoplastic Syndromes, Hereditary; Hereditary neoplastic syndrome; Hereditary Cancer Syndrome. Identifiers: Orphanet 140162, MedGen C0027672, MeSH D009386, MONDO:0015356.
Tumor predisposition syndrome 3 (TPDS3). Also called: Melanoma, cutaneous malignant, susceptibility to, 10; LONG TELOMERE SYNDROME, POT1-RELATED; POT1 Tumor Predisposition; Glioma susceptibility 9. Identifiers: Orphanet 618, MedGen C4014476, MONDO:0014368, OMIM 615848.

Allele frequency attached by ClinVar (database versions not stated): gnomAD exomes below 0.00001.
gnomAD v4.1: 1 of 1,590,184 alleles (0.000063%); highest among the groups gnomAD compares: Admixed American, 0.0017%; no homozygotes.

Submissions (2):

Ambry Genetics
Classification: Likely benign for Hereditary cancer-predisposing syndrome. Last evaluated: 2026-02-24. Review status: criteria provided, single submitter. Criteria: Ambry Variant Classification Scheme 2023. Collection method: clinical testing. Allele origin: germline.

Labcorp Genetics (formerly Invitae), Labcorp
Classification: Uncertain significance for Tumor predisposition syndrome 3. Last evaluated: 2022-06-25. Review status: criteria provided, single submitter. Criteria: Invitae Variant Classification Sherloc (09022015). Collection method: clinical testing. Allele origin: germline.
Comment: ClinVar contains an entry for this variant (Variation ID: 578966). This variant has not been reported in the literature in individuals affected with POT1-related conditions. The frequency data for this variant in the population databases is considered unreliable, as metrics indicate poor data quality at this position in the gnomAD database. This sequence change replaces threonine, which is neutral and polar, with alanine, which is neutral and non-polar, at codon 628 of the POT1 protein (p.Thr628Ala). Algorithms developed to predict the effect of missense changes on protein structure and function (SIFT, PolyPhen-2, Align-GVGD) all suggest that this variant is likely to be tolerated. In summary, the available evidence is currently insufficient to determine the role of this variant in disease. Therefore, it has been classified as a Variant of Uncertain Significance.